The following is an entry in ClinVar:

ClinVar aggregate classification (germline): Likely pathogenic (1 of 4 stars; one submission).

Conditions:
Thrombophilia, X-linked, due to factor 9 defect. Identifiers: MedGen C2749016, MONDO:0010432, OMIM 300807.
Hereditary factor IX deficiency disease (HEMB). Also called: Christmas Disease; F9 DEFICIENCY; FACTOR IX DEFICIENCY; PLASMA THROMBOPLASTIN COMPONENT DEFICIENCY; Hemophilia B. Identifiers: Orphanet 98879, MedGen C0008533, MeSH D002836, MONDO:0010604, OMIM 306900.

Allele frequency attached by ClinVar (database versions not stated): TOPMed 0.00002.

Submission:

Labcorp Genetics (formerly Invitae), Labcorp
Classification: Likely pathogenic for Thrombophilia, X-linked, due to factor 9 defect; Hereditary factor IX deficiency disease. Last evaluated: 2021-05-18. Review status: criteria provided, single submitter. Criteria: Invitae Variant Classification Sherloc (09022015). Collection method: clinical testing. Allele origin: germline.
Comment: This variant is not present in population databases (ExAC no frequency). This sequence change replaces phenylalanine with serine at codon 123 of the F9 protein (p.Phe123Ser). The phenylalanine residue is highly conserved and there is a large physicochemical difference between phenylalanine and serine. This variant has been observed in individual(s) with hemophilia B (PMID: 7937052, 9450791). This variant is also known as p.Phe77Ser. In summary, the currently available evidence indicates that the variant is pathogenic, but additional data are needed to prove that conclusively. Therefore, this variant has been classified as Likely Pathogenic. This variant disrupts the p.Phe123 amino acid residue in F9. Other variant(s) that disrupt this residue have been observed in individuals with F9-related conditions (PMID: 7937052, 9450791, 11328285, 15569175, 8091381), which suggests that this may be a clinically significant amino acid residue. Algorithms developed to predict the effect of missense changes on protein structure and function (SIFT, PolyPhen-2, Align-GVGD) all suggest that this variant is likely to be disruptive, but these predictions have not been confirmed by published functional studies and their clinical significance is uncertain.

Literature cited by the submitters: PubMed 7937052; PubMed 9450791; PubMed 11328285; PubMed 15569175; PubMed 8091381.

NM_000133.4(F9):c.368T>C (p.Phe123Ser)

Gene: F9 (coagulation factor IX; plus strand). Cytogenetic location: Xq27.1.
Variant type: single nucleotide variant.
Coding change: c.368T>C on transcript NM_000133.4 (MANE Select); coding-DNA position 368, T replaced by C.
Protein change: p.Phe123Ser; replaces phenylalanine 123 with serine.
Molecular consequence: missense variant. On other transcripts: intron variant (1).
Genome position (GRCh38, 1-based): chrX:139,541,166, T>C. VCF-style: chrX-139541166-T-C. GRCh37 (hg19) VCF-style: chrX-138623325-T-C.
Other names: c.277+3780T>C (NM_001313913.2); short protein forms F123S.
Identifiers: ClinVar variation 1508905 (VCV001508905.8), dbSNP rs1927592901, ClinGen allele CA414437840.